The following is an entry in ClinVar:

NM_000260.4(MYO7A):c.735+4_735+5delinsTT

Gene: MYO7A (myosin VIIA; plus strand). Cytogenetic location: 11q13.5.
Variant type: Indel.
Coding change: c.735+4_735+5delinsTT on transcript NM_000260.4 (MANE Select); bases 4 to 5 of the intron after coding-DNA position 735, GG replaced by TT.
Molecular consequence: intron variant.
Genome position (GRCh38, 1-based): chr11:77,157,008-77,157,009, GG replaced by TT. VCF-style: chr11-77157008-GG-TT. GRCh37 (hg19) VCF-style: chr11-76868054-GG-TT.
Other names: c.702+4_702+5delinsTT (NM_001369365.1); c.735+4_735+5delinsTT (NM_001127180.2).
Identifiers: ClinVar variation 3654298 (VCV003654298.2).

ClinVar aggregate classification (germline): Uncertain significance (1 of 4 stars; one submission).

Submission:

Labcorp Genetics (formerly Invitae), Labcorp
Classification: Uncertain significance. Last evaluated: 2024-05-28. Review status: criteria provided, single submitter. Criteria: Invitae Variant Classification Sherloc (09022015). Collection method: clinical testing. Allele origin: germline.
Comment: This sequence change falls in intron 7 of the MYO7A gene. It does not directly change the encoded amino acid sequence of the MYO7A protein. It affects a nucleotide within the consensus splice site. Information on the frequency of this variant in the gnomAD database is not available, as this variant may be reported differently in the database. This variant has been observed in individual(s) with clinical features of Usher syndrome (Invitae). Variants that disrupt the consensus splice site are a relatively common cause of aberrant splicing (PMID: 17576681, 9536098). Experimental studies and prediction algorithms are not available or were not evaluated, and the effect of this variant on mRNA splicing is currently unknown. In summary, the available evidence is currently insufficient to determine the role of this variant in disease. Therefore, it has been classified as a Variant of Uncertain Significance.

Literature cited by the submitters: PubMed 17576681; PubMed 9536098.